The following is an entry in ClinVar:

NM_019892.6(INPP5E):c.468G>T (p.Ser156=)

Gene: INPP5E (inositol polyphosphate-5-phosphatase E; minus strand). Cytogenetic location: 9q34.3.
Variant type: single nucleotide variant.
Coding change: c.468G>T on transcript NM_019892.6 (MANE Select); coding-DNA position 468, G replaced by T.
Protein change: p.Ser156=; no amino-acid change (serine 156 retained).
Molecular consequence: synonymous variant.
Genome position (GRCh38, 1-based): chr9:136,438,952, C>A on the plus strand (G>T on the coding strand, the complement: INPP5E is on the minus strand). VCF-style: chr9-136438952-C-A. GRCh37 (hg19) VCF-style: chr9-139333404-C-A.
Other names: c.468G>T, p.Ser156= (NM_001318502.2).
Identifiers: ClinVar variation 4992461 (VCV004992461.1).

ClinVar aggregate classification (germline): Likely benign (1 of 4 stars; one submission).

Conditions:
INPP5E-related disorder. Also called: INPP5E-related condition.

Submission:

PreventionGenetics, part of Exact Sciences
Classification: Likely benign for INPP5E-related condition. Last evaluated: 2025-11-13. Review status: criteria provided, single submitter. Criteria: ACMG Guidelines, 2015. Collection method: clinical testing. Allele origin: germline.
Comment: This variant is classified as likely benign based on ACMG/AMP sequence variant interpretation guidelines (Richards et al. 2015 PMID: 25741868, with internal and published modifications).